The following is an entry in ClinVar:

ClinVar aggregate classification (germline): Likely pathogenic (1 of 4 stars; one submission).

Conditions:
Autosomal recessive limb-girdle muscular dystrophy type 2J (LGMDR10). Also called: Limb-girdle muscular dystrophy, type 2J; MUSCULAR DYSTROPHY, LIMB-GIRDLE, AUTOSOMAL RECESSIVE 10. Identifiers: Orphanet 140922, MedGen C1837342, MONDO:0012127, OMIM 608807.
Dilated cardiomyopathy 1G (CMD1G). Identifiers: Orphanet 154, MedGen C1858763, MONDO:0011400, OMIM 604145.

Submission:

Labcorp Genetics (formerly Invitae), Labcorp
Classification: Likely pathogenic for Dilated cardiomyopathy 1G; Autosomal recessive limb-girdle muscular dystrophy type 2J. Last evaluated: 2025-09-16. Review status: criteria provided, single submitter. Criteria: Invitae Variant Classification Sherloc (09022015). Collection method: clinical testing. Allele origin: germline.
Comment: This sequence change creates a premature translational stop signal (p.Pro1967Argfs*2) in the TTN gene. While this is not anticipated to result in nonsense mediated decay, it is expected to create a truncated TTN protein. This variant is not present in population databases (gnomAD no frequency). This variant has not been reported in the literature in individuals affected with TTN-related conditions. This variant is located in the Z band of TTN (PMID: 25589632). Truncating variants in this region have been reported in individuals affected with autosomal recessive centronuclear myopathy (PMID: 33449170, internal data). Truncating variants in this region have also been identified in individuals affected with autosomal dominant dilated cardiomyopathy and/or cardio-related conditions (PMID: 27869827, 32964742, internal data). In summary, the currently available evidence indicates that the variant is pathogenic, but additional data are needed to prove that conclusively. Therefore, this variant has been classified as Likely Pathogenic.

Literature cited by the submitters: PubMed 25589632; PubMed 33449170; PubMed 27869827; PubMed 32964742.

NM_001267550.2(TTN):c.5900_5901del (p.Pro1967fs)

Gene: TTN (titin; minus strand). Cytogenetic location: 2q31.2.
Variant type: Deletion.
Coding change: c.5900_5901del on transcript NM_001267550.2 (MANE Select); coding-DNA positions 5900 to 5901, 2 bases deleted (CT; older notation c.5900_5901delCT).
Protein change: p.Pro1967fs; shifts the reading frame from proline 1967.
Molecular consequence: frameshift variant.
Genome position (GRCh38, 1-based): chr2:178,775,963-178,775,964, AG deleted on the plus strand (CT on the coding strand, the reverse complement: TTN is on the minus strand). VCF-style (leftmost placement, unchanged base first): chr2-178775962-CAG-C. GRCh37 (hg19) VCF-style: chr2-179640689-CAG-C.
Other names: c.5900_5901del, p.Pro1967fs (NM_001256850.1, NM_133378.4, NM_133379.5); c.5762_5763del, p.Pro1921fs (NM_003319.4, NM_133432.3, NM_133437.4); short protein forms P1921fs, P1967fs.
Identifiers: ClinVar variation 4786152 (VCV004786152.1).